The following is an entry in ClinVar:

ClinVar aggregate classification (germline): Uncertain significance. Review status: criteria provided, multiple submitters, no conflicts (2 of 4 stars). 2 submissions from 2 submitters: Uncertain significance (2). Last evaluated 2024-12-16.

Conditions:
Hereditary cancer-predisposing syndrome. Also called: Hereditary neoplastic syndrome; Hereditary Cancer Syndrome; Tumor predisposition; Neoplastic Syndromes, Hereditary. Identifiers: Orphanet 140162, MedGen C0027672, MeSH D009386, MONDO:0015356.
Costello syndrome (CSTLO). Also called: FACIOCUTANEOSKELETAL SYNDROME; HRAS-Related Costello Syndrome; FCS SYNDROME. Identifiers: Orphanet 3071, MedGen C0587248, MONDO:0009026, OMIM 218040.

Allele frequency attached by ClinVar (database versions not stated): gnomAD 0.00001.
gnomAD v4.1: 1 of 1,613,264 alleles (0.000062%); highest among the groups gnomAD compares: African/African-American, 0.0013%; no homozygotes.

Submissions (2):

Labcorp Genetics (formerly Invitae), Labcorp
Classification: Uncertain significance for Costello syndrome. Last evaluated: 2024-12-16. Review status: criteria provided, single submitter. Criteria: Invitae Variant Classification Sherloc (09022015). Collection method: clinical testing. Allele origin: germline.
Comment: This sequence change replaces threonine, which is neutral and polar, with isoleucine, which is neutral and non-polar, at codon 74 of the HRAS protein (p.Thr74Ile). This variant is present in population databases (no rsID available, gnomAD 0.01%). This variant has not been reported in the literature in individuals affected with HRAS-related conditions. ClinVar contains an entry for this variant (Variation ID: 1692888). Invitae Evidence Modeling of protein sequence and biophysical properties (such as structural, functional, and spatial information, amino acid conservation, physicochemical variation, residue mobility, and thermodynamic stability) indicates that this missense variant is expected to disrupt HRAS protein function with a positive predictive value of 80%. In summary, the available evidence is currently insufficient to determine the role of this variant in disease. Therefore, it has been classified as a Variant of Uncertain Significance.

Sema4
Classification: Uncertain significance for Hereditary cancer-predisposing syndrome. Last evaluated: 2021-10-24. Review status: criteria provided, single submitter. Criteria: Sema4 Curation Guidelines. Collection method: curation. Allele origin: germline.
Comment: To the best of our knowledge, the HRAS c.221C>T (p.T74I) variant has not been reported in individuals with HRAS-related disease. It was observed in 1/8684 chromosomes of the African/African American subpopulation in the Genome Aggregation Database (PMID: 32461654). The variant has not been reported in ClinVar. Functional studies have not been performed, and in silico predictions of the variant's effect on protein function are inconclusive. The evidence is insufficient to meet ACMG/AMP criteria for classifying the variant as benign or pathogenic. Thus, the clinical significance of this variant is currently uncertain.

NM_005343.4(HRAS):c.221C>T (p.Thr74Ile)

Genes: LRRC56 (leucine rich repeat containing 56; plus strand), HRAS (HRas proto-oncogene, GTPase; minus strand). Cytogenetic location: 11p15.5.
Variant type: single nucleotide variant.
Coding change: c.221C>T on transcript NM_005343.4 (MANE Select); coding-DNA position 221, C replaced by T.
Protein change: p.Thr74Ile; replaces threonine 74 with isoleucine.
Molecular consequence: missense variant. On other transcripts: 5 prime UTR variant (1).
Genome position (GRCh38, 1-based): chr11:533,835, G>A on the plus strand (C>T on the coding strand, the complement: HRAS is on the minus strand). VCF-style: chr11-533835-G-A. GRCh37 (hg19) VCF-style: chr11-533835-G-A.
Other names: c.221C>T, p.Thr74Ile (NM_001130442.3, NM_176795.5); c.-99C>T (NM_001318054.2); short protein forms T74I.
Identifiers: ClinVar variation 1692888 (VCV001692888.4), dbSNP rs1291306227, ClinGen allele CA378924585.